The following is an entry in ClinVar:

ClinVar aggregate classification (germline): Uncertain significance (1 of 4 stars; one submission).

gnomAD v4.1: 1 of 1,614,148 alleles (0.000062%); highest among the groups gnomAD compares: East Asian, 0.0022%; no homozygotes.

Submission:

Labcorp Genetics (formerly Invitae), Labcorp
Classification: Uncertain significance. Last evaluated: 2026-01-05. Review status: criteria provided, single submitter. Criteria: Invitae Variant Classification Sherloc (09022015). Collection method: clinical testing. Allele origin: germline.
Comment: This sequence change replaces methionine, which is neutral and non-polar, with isoleucine, which is neutral and non-polar, at codon 704 of the ALPK1 protein (p.Met704Ile). This variant is not present in population databases (gnomAD no frequency). This variant has not been reported in the literature in individuals affected with ALPK1-related conditions. ClinVar contains an entry for this variant (Variation ID: 3678656). Invitae Evidence Modeling of protein sequence and biophysical properties (such as structural, functional, and spatial information, amino acid conservation, physicochemical variation, residue mobility, and thermodynamic stability) indicates that this missense variant is not expected to disrupt ALPK1 protein function with a negative predictive value of 80%. In summary, the available evidence is currently insufficient to determine the role of this variant in disease. Therefore, it has been classified as a Variant of Uncertain Significance.

NM_025144.4(ALPK1):c.2112G>A (p.Met704Ile)

Gene: ALPK1 (alpha kinase 1; plus strand). Cytogenetic location: 4q25.
Variant type: single nucleotide variant.
Coding change: c.2112G>A on transcript NM_025144.4 (MANE Select); coding-DNA position 2112, G replaced by A.
Protein change: p.Met704Ile; replaces methionine 704 with isoleucine.
Molecular consequence: missense variant.
Genome position (GRCh38, 1-based): chr4:112,431,659, G>A. VCF-style: chr4-112431659-G-A. GRCh37 (hg19) VCF-style: chr4-113352815-G-A.
Other names: c.2112G>A, p.Met704Ile (NM_001102406.2); c.1878G>A, p.Met626Ile (NM_001253884.2); short protein forms M704I, M626I.
Identifiers: ClinVar variation 3678656 (VCV003678656.2).